The following is an entry in ClinVar:

ClinVar aggregate classification (germline): Uncertain significance (1 of 4 stars; one submission).

Conditions:
Charcot-Marie-Tooth disease, type I (CMT1). Also called: Charcot-Marie-Tooth disease type 1; Charcot-Marie-Tooth, Type 1. Identifiers: Orphanet 65753, MedGen C0751036, MONDO:0019011.

gnomAD v4.1: 1 of 1,614,122 alleles (0.000062%); highest among the groups gnomAD compares: Non-Finnish European, 0.000085%; no homozygotes.

Submission:

Labcorp Genetics (formerly Invitae), Labcorp
Classification: Uncertain significance for Charcot-Marie-Tooth disease, type I. Last evaluated: 2023-06-07. Review status: criteria provided, single submitter. Criteria: Invitae Variant Classification Sherloc (09022015). Collection method: clinical testing. Allele origin: germline.
Comment: Advanced modeling of protein sequence and biophysical properties (such as structural, functional, and spatial information, amino acid conservation, physicochemical variation, residue mobility, and thermodynamic stability) performed at Invitae indicates that this missense variant is not expected to disrupt MPZ protein function. In summary, the available evidence is currently insufficient to determine the role of this variant in disease. Therefore, it has been classified as a Variant of Uncertain Significance. This variant disrupts the p.Lys138 amino acid residue in MPZ. Other variant(s) that disrupt this residue have been observed in individuals with MPZ-related conditions (PMID: 10737979, 34060176), which suggests that this may be a clinically significant amino acid residue. This variant has not been reported in the literature in individuals affected with MPZ-related conditions. This variant is not present in population databases (gnomAD no frequency). This sequence change replaces lysine, which is basic and polar, with threonine, which is neutral and polar, at codon 138 of the MPZ protein (p.Lys138Thr).

Literature cited by the submitters: PubMed 10737979; PubMed 34060176.

NM_000530.8(MPZ):c.413A>C (p.Lys138Thr)

Gene: MPZ (myelin protein zero; minus strand). Cytogenetic location: 1q23.3.
Variant type: single nucleotide variant.
Coding change: c.413A>C on transcript NM_000530.8 (MANE Select); coding-DNA position 413, A replaced by C.
Protein change: p.Lys138Thr; replaces lysine 138 with threonine.
Molecular consequence: missense variant.
Genome position (GRCh38, 1-based): chr1:161,306,743, T>G on the plus strand (A>C on the coding strand, the complement: MPZ is on the minus strand). VCF-style: chr1-161306743-T-G. GRCh37 (hg19) VCF-style: chr1-161276533-T-G.
Other names: c.413A>C, p.Lys138Thr (NM_001315491.2); short protein forms K138T.
Identifiers: ClinVar variation 3018075 (VCV003018075.3), dbSNP rs2526237736, ClinGen allele CA343348559.